The following is an entry in ClinVar:

NM_000037.4(ANK1):c.3476C>T (p.Pro1159Leu)

Gene: ANK1 (ankyrin 1; minus strand). Cytogenetic location: 8p11.21.
Variant type: single nucleotide variant.
Coding change: c.3476C>T on transcript NM_000037.4 (MANE Select); coding-DNA position 3476, C replaced by T.
Protein change: p.Pro1159Leu; replaces proline 1159 with leucine.
Molecular consequence: missense variant.
Genome position (GRCh38, 1-based): chr8:41,693,954, G>A on the plus strand (C>T on the coding strand, the complement: ANK1 is on the minus strand). VCF-style: chr8-41693954-G-A. GRCh37 (hg19) VCF-style: chr8-41551472-G-A.
Other names: c.3599C>T, p.Pro1200Leu (NM_001142446.2); c.3476C>T, p.Pro1159Leu (NM_020475.3, NM_020476.3, NM_020477.3); short protein forms P1159L, P1200L.
Identifiers: ClinVar variation 4748917 (VCV004748917.1).
Genomic context (GRCh38, chr8:41,693,954, plus strand): 5'-TCACCAATGACGCTGCAAAGCAGGCGCAGGCTGGTGGTGTCTCCCTCCCCGCTGTCCCTC[G>A]GGTTGTCGGTCCAGGAAGGAGGTAGTGGGATCCGAAGCCCAATGGGGCGGTGGAACTTCC-3'
Protein context (NP_000028.3, residues 1149-1169): IPLPPSWTDN[Pro1159Leu]RDSGEGDTTS

ClinVar aggregate classification (germline): Uncertain significance (1 of 4 stars; one submission).

gnomAD v4.1: 10 of 1,613,920 alleles (0.00062%); highest among the groups gnomAD compares: Admixed American, 0.005%; no homozygotes.

Submission:

Labcorp Genetics (formerly Invitae), Labcorp
Classification: Uncertain significance. Last evaluated: 2025-11-24. Review status: criteria provided, single submitter. Criteria: Invitae Variant Classification Sherloc (09022015). Collection method: clinical testing. Allele origin: germline.
Comment: This sequence change replaces proline, which is neutral and non-polar, with leucine, which is neutral and non-polar, at codon 1159 of the ANK1 protein (p.Pro1159Leu). This variant is present in population databases (rs369746830, gnomAD 0.007%). This variant has not been reported in the literature in individuals affected with ANK1-related conditions. Invitae Evidence Modeling of protein sequence and biophysical properties (such as structural, functional, and spatial information, amino acid conservation, physicochemical variation, residue mobility, and thermodynamic stability) has been performed for this missense variant. However, the output from this modeling did not meet the statistical confidence thresholds required to predict the impact of this variant on ANK1 protein function. In summary, the available evidence is currently insufficient to determine the role of this variant in disease. Therefore, it has been classified as a Variant of Uncertain Significance.